The following is an entry in ClinVar:

ClinVar aggregate classification (germline): Uncertain significance (0 of 4 stars; one submission).

Allele frequency attached by ClinVar (database versions not stated): gnomAD exomes below 0.00001 and 0.00001; gnomAD 0.00001; TOPMed 0.00002.
gnomAD v4.1: 11 of 1,613,888 alleles (0.00068%); highest among the groups gnomAD compares: African/African-American, 0.0013%; no homozygotes.

Submission:

Greenwood Genetic Center Diagnostic Laboratories, Greenwood Genetic Center
Classification: Uncertain significance. Last evaluated: 2021-10-05. Review status: no assertion criteria provided. Collection method: clinical testing. Allele origin: germline. Affected: yes.
Comment: Gene of uncertain significance

NM_019024.3(HEATR5B):c.1549C>T (p.Gln517Ter)

Gene: HEATR5B (HEAT repeat containing 5B; minus strand). Cytogenetic location: 2p22.2.
Variant type: single nucleotide variant.
Coding change: c.1549C>T on transcript NM_019024.3 (MANE Select); coding-DNA position 1549, C replaced by T.
Protein change: p.Gln517Ter; replaces glutamine 517 with a stop codon.
Molecular consequence: nonsense.
Genome position (GRCh38, 1-based): chr2:37,064,775, G>A on the plus strand (C>T on the coding strand, the complement: HEATR5B is on the minus strand). VCF-style: chr2-37064775-G-A. GRCh37 (hg19) VCF-style: chr2-37291918-G-A.
Other names: short protein forms Q517*.
Identifiers: ClinVar variation 1334610 (VCV001334610.4), dbSNP rs1311843523, ClinGen allele CA346306266.